The following is an entry in ClinVar:

ClinVar aggregate classification (germline): Uncertain significance. Review status: criteria provided, multiple submitters, no conflicts (2 of 4 stars). 2 submissions from 2 submitters: Uncertain significance (2). Last evaluated 2025-03-10.

Conditions:
NRP2-related disorder. Also called: NRP2-related condition.

Allele frequency attached by ClinVar (database versions not stated): ExAC 0.00001; gnomAD exomes 0.00005; TOPMed 0.00005; gnomAD 0.00006; ESP Exome Variant Server 0.00015; 1000 Genomes Project 30x 0.00016; 1000 Genomes Project 0.00020.
gnomAD v4.1: 86 of 1,614,084 alleles (0.0053%); highest among the groups gnomAD compares: African/African-American, 0.0067%; no homozygotes.

Submissions (2):

PreventionGenetics, part of Exact Sciences
Classification: Uncertain significance for NRP2-related condition. Last evaluated: 2025-03-10. Review status: criteria provided, single submitter. Criteria: ACMG Guidelines, 2015. Collection method: clinical testing. Allele origin: germline.
Comment: The NRP2 c.1996C>T variant is predicted to result in the amino acid substitution p.Arg666Trp. To our knowledge, this variant has not been reported in the literature. This variant is reported in 0.0040% of alleles in individuals of African descent in gnomAD. At this time, the clinical significance of this variant is uncertain due to the absence of conclusive functional and genetic evidence.

Ambry Genetics
Classification: Uncertain significance. Last evaluated: 2025-01-07. Review status: criteria provided, single submitter. Criteria: Ambry Variant Classification Scheme 2023. Collection method: clinical testing. Allele origin: germline.

NM_003872.3(NRP2):c.1996C>T (p.Arg666Trp)

Genes: NRP2 (neuropilin 2; plus strand), LOC126806481 (CDK7 strongly-dependent group 2 enhancer GRCh37_chr2:206617009-206618208; plus strand). Cytogenetic location: 2q33.3.
Variant type: single nucleotide variant.
Coding change: c.1996C>T on transcript NM_003872.3 (MANE Select); coding-DNA position 1996, C replaced by T.
Protein change: p.Arg666Trp; replaces arginine 666 with tryptophan.
Molecular consequence: missense variant.
Genome position (GRCh38, 1-based): chr2:205,752,927, C>T. VCF-style: chr2-205752927-C-T. GRCh37 (hg19) VCF-style: chr2-206617651-C-T.
Other names: c.1996C>T, p.Arg666Trp (NM_018534.4, NM_201266.2, NM_201267.2 and 1 more transcripts); short protein forms R666W.
Identifiers: ClinVar variation 2635803 (VCV002635803.5), dbSNP rs143177221, ClinGen allele CA2069281.